The following is an entry in ClinVar:

ClinVar aggregate classification (germline): Uncertain significance. Review status: criteria provided, multiple submitters, no conflicts (2 of 4 stars). 2 submissions from 2 submitters: Uncertain significance (2). Last evaluated 2024-11-02.

Conditions:
Familial meningioma. Also called: Meningioma, familial, susceptibility to. Identifiers: Orphanet 263662, MedGen C3551915, MONDO:0011789, OMIM 607174.
Hereditary cancer-predisposing syndrome. Also called: Tumor predisposition; Hereditary neoplastic syndrome; Hereditary Cancer Syndrome; Neoplastic Syndromes, Hereditary. Identifiers: Orphanet 140162, MedGen C0027672, MeSH D009386, MONDO:0015356.

Submissions (2):

Ambry Genetics
Classification: Uncertain significance for Hereditary cancer-predisposing syndrome. Last evaluated: 2024-11-02. Review status: criteria provided, single submitter. Criteria: Ambry Variant Classification Scheme 2023. Collection method: clinical testing. Allele origin: germline.
Comment: The p.V374L variant (also known as c.1120G>C), located in coding exon 10 of the SMARCE1 gene, results from a G to C substitution at nucleotide position 1120. The valine at codon 374 is replaced by leucine, an amino acid with highly similar properties. This amino acid position is conserved. In addition, this alteration is predicted to be tolerated by in silico analysis. Based on the available evidence, the clinical significance of this variant remains unclear.

Labcorp Genetics (formerly Invitae), Labcorp
Classification: Uncertain significance for Familial meningioma. Last evaluated: 2019-10-04. Review status: criteria provided, single submitter. Criteria: Invitae Variant Classification Sherloc (09022015). Collection method: clinical testing. Allele origin: germline.
Comment: This variant has not been reported in the literature in individuals with SMARCE1-related conditions. In summary, the available evidence is currently insufficient to determine the role of this variant in disease. Therefore, it has been classified as a Variant of Uncertain Significance. Algorithms developed to predict the effect of missense changes on protein structure and function (SIFT, PolyPhen-2, Align-GVGD) all suggest that this variant is likely to be tolerated, but these predictions have not been confirmed by published functional studies and their clinical significance is uncertain. This variant is not present in population databases (ExAC no frequency). This sequence change replaces valine with leucine at codon 374 of the SMARCE1 protein (p.Val374Leu). The valine residue is moderately conserved and there is a small physicochemical difference between valine and leucine.

NM_003079.5(SMARCE1):c.1120G>C (p.Val374Leu)

Gene: SMARCE1 (SWI/SNF related BAF chromatin remodeling complex subunit E1; minus strand). Cytogenetic location: 17q21.2.
Variant type: single nucleotide variant.
Coding change: c.1120G>C on transcript NM_003079.5 (MANE Select); coding-DNA position 1120, G replaced by C.
Protein change: p.Val374Leu; replaces valine 374 with leucine.
Molecular consequence: missense variant.
Genome position (GRCh38, 1-based): chr17:40,628,901, C>G on the plus strand (G>C on the coding strand, the complement: SMARCE1 is on the minus strand). VCF-style: chr17-40628901-C-G. GRCh37 (hg19) VCF-style: chr17-38785153-C-G.
Other names: short protein forms V374L.
Identifiers: ClinVar variation 935630 (VCV000935630.10), dbSNP rs1165295357, ClinGen allele CA399361306.